The following is an entry in ClinVar:

NM_004958.4(MTOR):c.6808C>A (p.Arg2270=)

Gene: MTOR (mechanistic target of rapamycin kinase; minus strand). Cytogenetic location: 1p36.22.
Variant type: single nucleotide variant.
Coding change: c.6808C>A on transcript NM_004958.4 (MANE Select); coding-DNA position 6808, C replaced by A.
Protein change: p.Arg2270=; no amino-acid change (arginine 2270 retained).
Molecular consequence: synonymous variant.
Genome position (GRCh38, 1-based): chr1:11,121,981, G>T on the plus strand (C>A on the coding strand, the complement: MTOR is on the minus strand). VCF-style: chr1-11121981-G-T. GRCh37 (hg19) VCF-style: chr1-11182038-G-T.
Other names: c.6808C>A, p.Arg2270= (NM_001386500.1); c.5560C>A, p.Arg1854= (NM_001386501.1).
Identifiers: ClinVar variation 1079461 (VCV001079461.15), dbSNP rs1266984212, ClinGen allele CA415919410.

ClinVar aggregate classification (germline): Likely benign. Review status: criteria provided, multiple submitters, no conflicts (2 of 4 stars). 2 submissions from 2 submitters: Likely benign (2). Last evaluated 2025-11-12.

gnomAD v4.1: 3 of 1,613,880 alleles (0.00019%); highest among the groups gnomAD compares: African/African-American, 0.0013%; no homozygotes.

Submissions (2):

Labcorp Genetics (formerly Invitae), Labcorp
Classification: Likely benign. Last evaluated: 2025-11-12. Review status: criteria provided, single submitter. Criteria: Invitae Variant Classification Sherloc (09022015). Collection method: clinical testing. Allele origin: germline.

CeGaT Center for Human Genetics Tuebingen
Classification: Likely benign. Last evaluated: 2025-11-01. Review status: criteria provided, single submitter. Criteria: CeGaT Center For Human Genetics Tuebingen Variant Classification Criteria Version 2. Collection method: clinical testing. Allele origin: germline. Affected: yes. Observed: 1 variant allele.
Comment: MTOR: BP4